The following is an entry in ClinVar:

ClinVar aggregate classification (germline): Likely benign. Review status: criteria provided, multiple submitters, no conflicts (2 of 4 stars). 2 submissions from 2 submitters: Likely benign (2). Last evaluated 2025-10-24.

Conditions:
TBC1D7-related disorder. Also called: TBC1D7-related condition.

Allele frequency attached by ClinVar (database versions not stated): gnomAD 0.00001; TOPMed 0.00001; ExAC 0.00002; gnomAD exomes 0.00002 and 0.00003.
gnomAD v4.1: 40 of 1,613,970 alleles (0.0025%); highest among the groups gnomAD compares: Admixed American, 0.0033%; no homozygotes.

Submissions (2):

PreventionGenetics, part of Exact Sciences
Classification: Likely benign for TBC1D7-related condition. Last evaluated: 2025-10-24. Review status: criteria provided, single submitter. Criteria: ACMG Guidelines, 2015. Collection method: clinical testing. Allele origin: germline.
Comment: This variant is classified as likely benign based on ACMG/AMP sequence variant interpretation guidelines (Richards et al. 2015 PMID: 25741868, with internal and published modifications).

Labcorp Genetics (formerly Invitae), Labcorp
Classification: Likely benign. Last evaluated: 2024-02-17. Review status: criteria provided, single submitter. Criteria: Invitae Variant Classification Sherloc (09022015). Collection method: clinical testing. Allele origin: germline.

NM_016495.6(TBC1D7):c.591G>A (p.Ala197=)

Genes: TBC1D7 (TBC1 domain family member 7; minus strand), TBC1D7-LOC100130357 (TBC1D7-LOC100130357 readthrough; minus strand), LOC126859592 (CDK7 strongly-dependent group 2 enhancer GRCh37_chr6:13307473-13308672; plus strand). Cytogenetic location: 6p24.1.
Variant type: single nucleotide variant.
Coding change: c.591G>A on transcript NM_016495.6 (MANE Select); coding-DNA position 591, G replaced by A.
Protein change: p.Ala197=; no amino-acid change (alanine 197 retained).
Molecular consequence: synonymous variant.
Genome position (GRCh38, 1-based): chr6:13,307,674, C>T on the plus strand (G>A on the coding strand, the complement: TBC1D7 is on the minus strand). VCF-style: chr6-13307674-C-T. GRCh37 (hg19) VCF-style: chr6-13307906-C-T.
Other names: c.591G>A, p.Ala197= (NM_001318809.2, NM_001143964.4, NM_001143965.4 and 1 more transcripts); c.510G>A, p.Ala170= (NM_001143966.4); c.453G>A, p.Ala151= (NM_001258457.3); c.591G>A (NM_001143965.3).
Identifiers: ClinVar variation 1399299 (VCV001399299.7), dbSNP rs375163232, ClinGen allele CA3639682.